The following is an entry in ClinVar:

ClinVar aggregate classification (germline): Likely benign (1 of 4 stars; one submission).

Submission:

CeGaT Center for Human Genetics Tuebingen
Classification: Likely benign. Last evaluated: 2025-02-01. Review status: criteria provided, single submitter. Criteria: CeGaT Center For Human Genetics Tuebingen Variant Classification Criteria Version 2. Collection method: clinical testing. Allele origin: germline. Affected: yes. Observed: 1 variant allele.
Comment: KMT2C: PM2:Supporting, BP4, BP7

NM_170606.3(KMT2C):c.2352C>T (p.Ser784=)

Gene: KMT2C (lysine methyltransferase 2C; minus strand). Cytogenetic location: 7q36.1.
Variant type: single nucleotide variant.
Coding change: c.2352C>T on transcript NM_170606.3 (MANE Select); coding-DNA position 2352, C replaced by T.
Protein change: p.Ser784=; no amino-acid change (serine 784 retained).
Molecular consequence: synonymous variant.
Genome position (GRCh38, 1-based): chr7:152,248,082, G>A on the plus strand (C>T on the coding strand, the complement: KMT2C is on the minus strand). VCF-style: chr7-152248082-G-A. GRCh37 (hg19) VCF-style: chr7-151945167-G-A.
Identifiers: ClinVar variation 3770998 (VCV003770998.13).